The following is an entry in ClinVar:

ClinVar aggregate classification (germline): Uncertain significance (1 of 4 stars; one submission).

Allele frequency attached by ClinVar (database versions not stated): gnomAD 0.00004; ExAC 0.00005; TOPMed 0.00005.
gnomAD v4.1: 211 of 1,613,880 alleles (0.013%); highest among the groups gnomAD compares: Non-Finnish European, 0.017%; 1 homozygote.

Submission:

Athena Diagnostics
Classification: Uncertain significance. Last evaluated: 2022-12-27. Review status: criteria provided, single submitter. Criteria: Athena Diagnostics Criteria. Collection method: clinical testing. Allele origin: unknown.
Comment: Available data are insufficient to determine the clinical significance of the variant at this time. The frequency of this variant in the general population is uninformative in assessment of its pathogenicity. Computational tools predict that this variant is not damaging.

NM_018075.5(ANO10):c.1866G>A (p.Met622Ile)

Gene: ANO10 (anoctamin 10; minus strand). Cytogenetic location: 3p22.1.
Variant type: single nucleotide variant.
Coding change: c.1866G>A on transcript NM_018075.5 (MANE Select); coding-DNA position 1866, G replaced by A.
Protein change: p.Met622Ile; replaces methionine 622 with isoleucine.
Molecular consequence: missense variant. On other transcripts: intron variant (3).
Genome position (GRCh38, 1-based): chr3:43,432,659, C>T on the plus strand (G>A on the coding strand, the complement: ANO10 is on the minus strand). VCF-style: chr3-43432659-C-T. GRCh37 (hg19) VCF-style: chr3-43474151-C-T.
Other names: c.1668G>A, p.Met556Ile (NM_001204832.3, NM_001346466.2, NM_001346469.2); c.1533G>A, p.Met511Ile (NM_001204833.3); c.1296G>A, p.Met432Ile (NM_001204834.3); c.1983G>A, p.Met661Ile (NM_001346464.2, NM_001346467.2); c.1866G>A, p.Met622Ile (NM_001346468.2); c.1798-65685G>A (NM_001346465.2); c.1798-59812G>A (NM_001204831.3); c.1915-65685G>A (NM_001346463.2); short protein forms M432I, M511I, M556I, M622I, M661I.
Identifiers: ClinVar variation 2684269 (VCV002684269.1), dbSNP rs781404448, ClinGen allele CA2340645.
Genomic context (GRCh38, chr3:43,432,659, plus strand): 5'-AGCTGCTCTCACCTGCTGCTTGAGTGCCTCCAAAGACTCAAATTCCAGTCTGGCTAGTTT[C>T]ATCTGGATATGCCGTGGCTTATCAGGTATGGCAAATGCAAGTATAAACTTTAAAGCCAGG-3'
Protein context (NP_060545.3, residues 612-632): AIPDKPRHIQ[Met622Ile]KLARLEFESL